The following is an entry in ClinVar:

NM_017763.6(RNF43):c.1057C>G (p.Leu353Val)

Gene: RNF43 (ring finger protein 43; minus strand). Cytogenetic location: 17q22.
Variant type: single nucleotide variant.
Coding change: c.1057C>G on transcript NM_017763.6 (MANE Select); coding-DNA position 1057, C replaced by G.
Protein change: p.Leu353Val; replaces leucine 353 with valine.
Molecular consequence: missense variant.
Genome position (GRCh38, 1-based): chr17:58,358,719, G>C on the plus strand (C>G on the coding strand, the complement: RNF43 is on the minus strand). VCF-style: chr17-58358719-G-C. GRCh37 (hg19) VCF-style: chr17-56436080-G-C.
Other names: c.1057C>G, p.Leu353Val (NM_001305544.3); c.676C>G, p.Leu226Val (NM_001305545.2); short protein forms L226V, L353V.
Identifiers: ClinVar variation 3384294 (VCV003384294.4).

ClinVar aggregate classification (germline): Uncertain significance. Review status: criteria provided, multiple submitters, no conflicts (2 of 4 stars). 3 submissions from 3 submitters: Uncertain significance (3). Last evaluated 2026-01-06.

Submissions (3):

Labcorp Genetics (formerly Invitae), Labcorp
Classification: Uncertain significance. Last evaluated: 2026-01-06. Review status: criteria provided, single submitter. Criteria: Invitae Variant Classification Sherloc (09022015). Collection method: clinical testing. Allele origin: germline.
Comment: This sequence change replaces leucine, which is neutral and non-polar, with valine, which is neutral and non-polar, at codon 353 of the RNF43 protein (p.Leu353Val). This variant is present in population databases (rs758947339, gnomAD 0.003%). This variant has not been reported in the literature in individuals affected with RNF43-related conditions. ClinVar contains an entry for this variant (Variation ID: 3384294). An algorithm developed to predict the effect of missense changes on protein structure and function (PolyPhen-2) suggests that this variant is likely to be tolerated. In summary, the available evidence is currently insufficient to determine the role of this variant in disease. Therefore, it has been classified as a Variant of Uncertain Significance.

Ambry Genetics
Classification: Uncertain significance. Last evaluated: 2025-03-10. Review status: criteria provided, single submitter. Criteria: Ambry Variant Classification Scheme 2023. Collection method: clinical testing. Allele origin: germline.
Comment: The p.L353V variant (also known as c.1057C>G), located in coding exon 8 of the RNF43 gene, results from a C to G substitution at nucleotide position 1057. The leucine at codon 353 is replaced by valine, an amino acid with highly similar properties. This amino acid position is conserved. In addition, this alteration is predicted to be tolerated by in silico analysis. Based on the available evidence, the clinical significance of this variant remains unclear.

GeneDx
Classification: Uncertain significance. Last evaluated: 2024-06-06. Review status: criteria provided, single submitter. Criteria: GeneDx Variant Classification Process June 2021. Collection method: clinical testing. Allele origin: germline. Affected: yes.
Comment: Not observed at significant frequency in large population cohorts (gnomAD); In silico analysis indicates that this missense variant does not alter protein structure/function; Has not been previously published as pathogenic or benign to our knowledge; Variants in candidate genes are classified as variants of uncertain significance in accordance with ACMG guidelines (PMID: 25741868)